The following is an entry in ClinVar:

NM_002968.3(SALL1):c.1508dup (p.Tyr503Ter)

Gene: SALL1 (spalt like transcription factor 1; minus strand). Cytogenetic location: 16q12.1.
Variant type: Duplication.
Coding change: c.1508dup on transcript NM_002968.3 (MANE Select); coding-DNA position 1508, one base duplicated (A; older notation c.1508dupA).
Protein change: p.Tyr503Ter; replaces tyrosine 503 with a stop codon.
Molecular consequence: nonsense.
Genome position (GRCh38, 1-based): chr16:51,140,714, T duplicated on the plus strand (A on the coding strand, the reverse complement: SALL1 is on the minus strand). VCF-style (leftmost placement, unchanged base first): chr16-51140713-G-GT. GRCh37 (hg19) VCF-style: chr16-51174624-G-GT.
Other names: c.1217dup, p.Tyr406Ter (NM_001127892.2); short protein forms Y406*, Y503*.
Identifiers: ClinVar variation 4710810 (VCV004710810.1).

ClinVar aggregate classification (germline): Pathogenic (1 of 4 stars; one submission).

Conditions:
Townes syndrome (TBS). Also called: Townes-Brocks syndrome. Identifiers: Orphanet 857, MedGen C0265246, MeSH C536974, MONDO:0007142.

Submission:

Labcorp Genetics (formerly Invitae), Labcorp
Classification: Pathogenic for Townes syndrome. Last evaluated: 2025-05-18. Review status: criteria provided, single submitter. Criteria: Invitae Variant Classification Sherloc (09022015). Collection method: clinical testing. Allele origin: germline.
Comment: This sequence change creates a premature translational stop signal (p.Tyr503*) in the SALL1 gene. It is expected to result in an absent or disrupted protein product. Loss-of-function variants in SALL1 are known to be pathogenic (PMID: 9973281, 12915476, 16088922, 23069192). This variant is not present in population databases (gnomAD no frequency). This premature translational stop signal has been observed in individual(s) with SALL1-related conditions (PMID: 34906515). For these reasons, this variant has been classified as Pathogenic.

Literature cited by the submitters: PubMed 9973281; PubMed 12915476; PubMed 16088922; PubMed 23069192; PubMed 34906515.